The following is an entry in ClinVar:

ClinVar aggregate classification (germline): Uncertain significance (1 of 4 stars; one submission).

Allele frequency attached by ClinVar (database versions not stated): gnomAD 0.00001; gnomAD exomes 0.00002; TOPMed 0.00002; ESP Exome Variant Server 0.00008.
gnomAD v4.1: 24 of 1,613,904 alleles (0.0015%); highest among the groups gnomAD compares: Non-Finnish European, 0.002%; no homozygotes.

Submission:

Labcorp Genetics (formerly Invitae), Labcorp
Classification: Uncertain significance. Last evaluated: 2022-06-24. Review status: criteria provided, single submitter. Criteria: Invitae Variant Classification Sherloc (09022015). Collection method: clinical testing. Allele origin: germline.
Comment: In summary, the available evidence is currently insufficient to determine the role of this variant in disease. Therefore, it has been classified as a Variant of Uncertain Significance. Algorithms developed to predict the effect of missense changes on protein structure and function are either unavailable or do not agree on the potential impact of this missense change (SIFT: "Tolerated"; PolyPhen-2: "Possibly Damaging"; Align-GVGD: "Class C0"). This variant has not been reported in the literature in individuals affected with HACD1-related conditions. This variant is not present in population databases (gnomAD no frequency). This sequence change replaces leucine, which is neutral and non-polar, with valine, which is neutral and non-polar, at codon 190 of the HACD1 protein (p.Leu190Val).

NM_014241.4(HACD1):c.568C>G (p.Leu190Val)

Gene: HACD1 (3-hydroxyacyl-CoA dehydratase 1; minus strand). Cytogenetic location: 10p12.33.
Variant type: single nucleotide variant.
Coding change: c.568C>G on transcript NM_014241.4 (MANE Select); coding-DNA position 568, C replaced by G.
Protein change: p.Leu190Val; replaces leucine 190 with valine.
Molecular consequence: missense variant.
Genome position (GRCh38, 1-based): chr10:17,599,327, G>C on the plus strand (C>G on the coding strand, the complement: HACD1 is on the minus strand). VCF-style: chr10-17599327-G-C. GRCh37 (hg19) VCF-style: chr10-17641326-G-C.
Other names: short protein forms L190V.
Identifiers: ClinVar variation 2178848 (VCV002178848.2), dbSNP rs375551451, ClinGen allele CA203674630.
Genomic context (GRCh38, chr10:17,599,327, plus strand): 5'-ACTAAACTGCAAGATATCGCCACCTGGCCCATTTAATGAAGTATGGCAAGTGGTCAAGAA[G>C]GCTGAATGTGTAGAAGGAATAGCGAGTGATCTCTGTCACAGTCCACGCGACCAGAAAAAG-3'
Protein context (NP_055056.3, residues 180-200): ITRYSFYTFS[Leu190Val]LDHLPYFIKW